The following is an entry in ClinVar:

ClinVar aggregate classification (germline): Uncertain significance. Review status: criteria provided, multiple submitters, no conflicts (2 of 4 stars). 6 submissions from 6 submitters: Uncertain significance (5). 1 of the submissions does not count toward it. Last evaluated 2025-12-29.

Conditions:
Hereditary cancer-predisposing syndrome. Also called: Neoplastic Syndromes, Hereditary; Hereditary Cancer Syndrome; Hereditary neoplastic syndrome; Tumor predisposition. Identifiers: Orphanet 140162, MedGen C0027672, MeSH D009386, MONDO:0015356.
Hereditary pheochromocytoma and paraganglioma. Also called: Hereditary Paraganglioma-Pheochromocytoma Syndromes; Hereditary pheochromocytoma-paraganglioma; Hereditary paragangliomas and pheochromocytomas. Identifiers: Orphanet 29072, MedGen C4274332, MONDO:0017366.
Pheochromocytoma/paraganglioma syndrome 4. Also called: PARAGANGLIOMA, FAMILIAL MALIGNANT; PARAGANGLIOMAS, HEREDITARY EXTRAADRENAL; PHEOCHROMOCYTOMA, FAMILIAL EXTRAADRENAL; Paragangliomas 4; CAROTID BODY TUMORS AND MULTIPLE EXTRAADRENAL PHEOCHROMOCYTOMAS; SDHB-Related Hereditary Paraganglioma-Pheochromocytoma Syndrome (Paragangliomas 4). Identifiers: Orphanet 29072, MedGen C1861848, MONDO:0007273, OMIM 115310.
Gastrointestinal stromal tumor. Also called: Gastrointestinal stroma tumor; Gastrointestinal stromal tumor, somatic. Identifiers: Orphanet 44890, MedGen C0238198, MeSH D046152, MONDO:0011719, OMIM 606764, HP:0100723.
Pheochromocytoma. Also called: MAX-Related Hereditary Paraganglioma-Pheochromocytoma Syndrome. Identifiers: Orphanet 29072, MedGen C0031511, MONDO:0008233, OMIM 171300, HP:0002666.

Allele frequency attached by ClinVar (database versions not stated): TOPMed 0.00001; ExAC 0.00002; gnomAD exomes 0.00002.
gnomAD v4.1: 12 of 1,614,156 alleles (0.00074%); highest among the groups gnomAD compares: East Asian, 0.02%; no homozygotes.

Submissions (6):

Center for Genomic Medicine, Rigshospitalet, Copenhagen University Hospital
Classification: Uncertain significance. Last evaluated: 2025-12-29. Review status: criteria provided, single submitter. Criteria: ACMG Guidelines, 2015. Collection method: clinical testing. Allele origin: germline.

Ambry Genetics
Classification: Uncertain significance for Hereditary cancer-predisposing syndrome. Last evaluated: 2025-12-18. Review status: criteria provided, single submitter. Criteria: Ambry Variant Classification Scheme 2023. Collection method: clinical testing. Allele origin: germline.
Comment: The p.D118N variant (also known as c.352G>A), located in coding exon 4 of the SDHB gene, results from a G to A substitution at nucleotide position 352. The aspartic acid at codon 118 is replaced by asparagine, an amino acid with highly similar properties. This amino acid position is highly conserved in available vertebrate species. In addition, the in silico prediction for this alteration is inconclusive. Based on the available evidence, the clinical significance of this variant remains unclear.

Labcorp Genetics (formerly Invitae), Labcorp
Classification: Uncertain significance for Gastrointestinal stromal tumor; Pheochromocytoma/paraganglioma syndrome 4; Pheochromocytoma. Last evaluated: 2025-05-18. Review status: criteria provided, single submitter. Criteria: Invitae Variant Classification Sherloc (09022015). Collection method: clinical testing. Allele origin: germline.
Comment: This sequence change replaces aspartic acid, which is acidic and polar, with asparagine, which is neutral and polar, at codon 118 of the SDHB protein (p.Asp118Asn). This variant is present in population databases (rs200021702, gnomAD 0.03%). This variant has not been reported in the literature in individuals affected with SDHB-related conditions. ClinVar contains an entry for this variant (Variation ID: 412490). Invitae Evidence Modeling of protein sequence and biophysical properties (such as structural, functional, and spatial information, amino acid conservation, physicochemical variation, residue mobility, and thermodynamic stability) indicates that this missense variant is not expected to disrupt SDHB protein function with a negative predictive value of 80%. In summary, the available evidence is currently insufficient to determine the role of this variant in disease. Therefore, it has been classified as a Variant of Uncertain Significance.

All of Us Research Program, National Institutes of Health
Classification: Uncertain significance for Hereditary pheochromocytoma and paraganglioma. Last evaluated: 2023-10-02. Review status: criteria provided, single submitter. Criteria: ACMG Guidelines, 2015. Collection method: clinical testing. Allele origin: germline. Inheritance: Autosomal dominant inheritance. Observed: 1 variant allele, 1 heterozygote.
Comment: This missense variant replaces aspartic acid with asparagine at codon 118 of the SDHB protein. Computational prediction suggests that this variant may not impact protein structure and function (internally defined REVEL score threshold <= 0.5, PMID: 27666373). To our knowledge, functional studies have not been reported for this variant. This variant has not been reported in individuals affected with SDHB-related disorders in the literature. This variant has been identified in 5/251468 chromosomes in the general population by the Genome Aggregation Database (gnomAD). The available evidence is insufficient to determine the role of this variant in disease conclusively. Therefore, this variant is classified as a Variant of Uncertain Significance.

This study involves interpretation of variants in research participants for the purpose of population health screening. Participant phenotype was not available at the time of variant classification. Additional details can be found in publication PMID: 35346344, PMCID: PMC8962531

Myriad Genetics, Inc.
Classification: Uncertain significance for Pheochromocytoma/paraganglioma syndrome 4. Last evaluated: 2023-04-24. Review status: criteria provided, single submitter. Criteria: Myriad Autosomal Dominant, Autosomal Recessive and X-Linked Classification Criteria (2023). Collection method: clinical testing. Allele origin: unknown.
Comment: This variant is classified as a variant of uncertain significance as there is insufficient evidence to determine its impact on protein function and/or cancer risk.

Counsyl
Classification: Uncertain significance for Pheochromocytoma/paraganglioma syndrome 4. Last evaluated: 2018-04-02. Review status: no assertion criteria provided. Collection method: clinical testing. Allele origin: unknown. Not counted in ClinVar's aggregate classification.

NM_003000.3(SDHB):c.352G>A (p.Asp118Asn)

Gene: SDHB (succinate dehydrogenase complex iron sulfur subunit B; minus strand). Cytogenetic location: 1p36.13.
Variant type: single nucleotide variant.
Coding change: c.352G>A on transcript NM_003000.3 (MANE Select); coding-DNA position 352, G replaced by A.
Protein change: p.Asp118Asn; replaces aspartic acid 118 with asparagine.
Molecular consequence: missense variant.
Genome position (GRCh38, 1-based): chr1:17,028,671, C>T on the plus strand (G>A on the coding strand, the complement: SDHB is on the minus strand). VCF-style: chr1-17028671-C-T. GRCh37 (hg19) VCF-style: chr1-17355166-C-T.
Other names: short protein forms D118N.
Identifiers: ClinVar variation 412490 (VCV000412490.17), dbSNP rs200021702, ClinGen allele CA089595.